The following is an entry in ClinVar:

ClinVar aggregate classification (germline): Benign (0 of 4 stars; one submission).

Conditions:
ESRP2-related disorder. Also called: ESRP2-related condition.

Allele frequency attached by ClinVar (database versions not stated): 1000 Genomes Project 30x 0.00265; 1000 Genomes Project 0.00280; TOPMed 0.00005; gnomAD 0.00031; gnomAD exomes 0.00069; ExAC 0.00141.
gnomAD v4.1: 1,031 of 1,595,890 alleles (0.065%); highest among the groups gnomAD compares: South Asian, 1.1%; 11 homozygotes.

Submission:

PreventionGenetics, part of Exact Sciences
Classification: Benign for ESRP2-related condition. Last evaluated: 2019-05-20. Review status: no assertion criteria provided. Collection method: clinical testing. Allele origin: germline.
Comment: This variant is classified as benign based on ACMG/AMP sequence variant interpretation guidelines (Richards et al. 2015 PMID: 25741868, with internal and published modifications).

NM_024939.3(ESRP2):c.1731C>T (p.Tyr577=)

Gene: ESRP2 (epithelial splicing regulatory protein 2; minus strand). Cytogenetic location: 16q22.1.
Variant type: single nucleotide variant.
Coding change: c.1731C>T on transcript NM_024939.3 (MANE Select); coding-DNA position 1731, C replaced by T.
Protein change: p.Tyr577=; no amino-acid change (tyrosine 577 retained).
Molecular consequence: synonymous variant.
Genome position (GRCh38, 1-based): chr16:68,231,008, G>A on the plus strand (C>T on the coding strand, the complement: ESRP2 is on the minus strand). VCF-style: chr16-68231008-G-A. GRCh37 (hg19) VCF-style: chr16-68264911-G-A.
Other names: c.1761C>T, p.Tyr587= (NM_001365264.1); c.1731C>T, p.Tyr577= (NM_001365265.1).
Identifiers: ClinVar variation 3041205 (VCV003041205.2), dbSNP rs200397589, ClinGen allele CA8125160.